The following is an entry in ClinVar:

NM_203446.3(SYNJ1):c.3673A>T (p.Ser1225Cys)

Gene: SYNJ1 (synaptojanin 1; minus strand). Cytogenetic location: 21q22.11.
Variant type: single nucleotide variant.
Coding change: c.3673A>T on transcript NM_203446.3 (MANE Select); coding-DNA position 3673, A replaced by T.
Protein change: p.Ser1225Cys; replaces serine 1225 with cysteine.
Molecular consequence: missense variant.
Genome position (GRCh38, 1-based): chr21:32,639,695, T>A on the plus strand (A>T on the coding strand, the complement: SYNJ1 is on the minus strand). VCF-style: chr21-32639695-T-A. GRCh37 (hg19) VCF-style: chr21-34012005-T-A.
Other names: c.3625A>T, p.Ser1209Cys (NM_001160302.2); c.3532A>T, p.Ser1178Cys (NM_001160306.2); c.3790A>T, p.Ser1264Cys (NM_003895.4); short protein forms S1178C, S1209C, S1264C, S1225C.
Identifiers: ClinVar variation 949440 (VCV000949440.7), dbSNP rs2039744699, ClinGen allele CA410087661.
Genomic context (GRCh38, chr21:32,639,695, plus strand): 5'-TGATCCTCCTGCCTCAGCCTCCCAAAGAGGACCTACCTTTCGACGTTTCTGATGTTTTGC[T>A]TTGGCTTTCAGGAGTCAGTCTTCCAGCAGATGCCCGCGCGTGGCTCTGTGGGGCACTGAT-3'
Protein context (NP_982271.3, residues 1215-1235): SAGRLTPESQ[Ser1225Cys]KTSETSKGST

ClinVar aggregate classification (germline): Uncertain significance (1 of 4 stars; one submission).

Conditions:
Early-onset Parkinson disease 20. Also called: PARKINSON DISEASE 20, AUTOSOMAL RECESSIVE EARLY-ONSET. Identifiers: Orphanet 391411, MedGen C3809824, MONDO:0014233, OMIM 615530.
Developmental and epileptic encephalopathy, 53. Also called: Epileptic encephalopathy, early infantile, 53. Identifiers: MedGen C4479313, MONDO:0033362, OMIM 617389.

Submission:

Labcorp Genetics (formerly Invitae), Labcorp
Classification: Uncertain significance for Developmental and epileptic encephalopathy, 53; Early-onset Parkinson disease 20. Last evaluated: 2022-06-25. Review status: criteria provided, single submitter. Criteria: Invitae Variant Classification Sherloc (09022015). Collection method: clinical testing. Allele origin: germline.
Comment: This sequence change replaces serine, which is neutral and polar, with cysteine, which is neutral and slightly polar, at codon 1264 of the SYNJ1 protein (p.Ser1264Cys). This variant is not present in population databases (gnomAD no frequency). This variant has not been reported in the literature in individuals affected with SYNJ1-related conditions. ClinVar contains an entry for this variant (Variation ID: 949440). Algorithms developed to predict the effect of missense changes on protein structure and function are either unavailable or do not agree on the potential impact of this missense change (SIFT: "Deleterious"; PolyPhen-2: "Possibly Damaging"; Align-GVGD: "Class C0"). In summary, the available evidence is currently insufficient to determine the role of this variant in disease. Therefore, it has been classified as a Variant of Uncertain Significance.